The following is an entry in ClinVar:

ClinVar aggregate classification (germline): Likely pathogenic (1 of 4 stars; one submission).

Submission:

Dasa
Classification: Likely pathogenic. Last evaluated: 2025-03-11. Review status: criteria provided, single submitter. Criteria: DASA Assertion Criteria. Collection method: clinical testing. Allele origin: germline.
Comment: NM_020547.3(AMHR2):c.826dup (p.Leu276Profs*22) is a frameshift variant in AMHR2 predicted to alter the reading frame and introduce a premature termination codon and is predicted to result in an absent or altered protein product. Loss of function is an established disease mechanism for AMHR2-associated disorders. Also, this variant is absent from population databases. Based on the currently available evidence, this variant is classified as likely pathogenic.

NM_020547.3(AMHR2):c.826dup (p.Leu276fs)

Gene: AMHR2 (anti-Mullerian hormone receptor type 2; plus strand). Cytogenetic location: 12q13.13.
Variant type: Duplication.
Coding change: c.826dup on transcript NM_020547.3 (MANE Select); coding-DNA position 826, one base duplicated (C; older notation c.826dupC).
Protein change: p.Leu276fs; shifts the reading frame from leucine 276.
Molecular consequence: frameshift variant.
Genome position (GRCh38, 1-based): chr12:53,425,893, C duplicated; the last of 4 consecutive C bases (chr12:53,425,890-53,425,893); duplicating any one gives the same sequence. VCF-style (leftmost placement, unchanged base first): chr12-53425889-G-GC. GRCh37 (hg19) VCF-style: chr12-53819673-G-GC.
Other names: c.826dup, p.Leu276fs (NM_001164690.2, NM_001164691.2); short protein forms L276fs.
Identifiers: ClinVar variation 4886487 (VCV004886487.2).